The following is an entry in ClinVar:

ClinVar aggregate classification (germline): Uncertain significance (1 of 4 stars; one submission).

Submission:

GeneDx
Classification: Uncertain significance. Last evaluated: 2024-02-26. Review status: criteria provided, single submitter. Criteria: GeneDx Variant Classification Process June 2021. Collection method: clinical testing. Allele origin: germline.
Comment: Not observed at significant frequency in large population cohorts (gnomAD); In silico analysis supports that this missense variant has a deleterious effect on protein structure/function; Has not been previously published as pathogenic or benign to our knowledge

NM_197968.4(ZMYM2):c.1274G>A (p.Cys425Tyr)

Gene: ZMYM2 (zinc finger MYM-type containing 2; plus strand). Cytogenetic location: 13q12.11.
Variant type: single nucleotide variant.
Coding change: c.1274G>A on transcript NM_197968.4 (MANE Select); coding-DNA position 1274, G replaced by A.
Protein change: p.Cys425Tyr; replaces cysteine 425 with tyrosine.
Molecular consequence: missense variant. On other transcripts: non-coding transcript variant (1).
Genome position (GRCh38, 1-based): chr13:20,005,214, G>A. VCF-style: chr13-20005214-G-A. GRCh37 (hg19) VCF-style: chr13-20579354-G-A.
Other names: c.1274G>A, p.Cys425Tyr (NM_001190964.4, NM_001190965.4, NM_001353157.2 and 5 more transcripts); c.1079G>A, p.Cys360Tyr (NM_001353161.3); c.1013G>A, p.Cys338Tyr (NM_001353163.2); short protein forms C338Y, C360Y, C425Y.
Identifiers: ClinVar variation 2497835 (VCV002497835.2), dbSNP rs2502317870, ClinGen allele CA387670436.
Genomic context (GRCh38, chr13:20,005,214, plus strand): 5'-GTTTATCTCTCTATGAAGACAAACAGAATCCTACTAAAGGAGCTCTAAATAAATCAAGAT[G>A]TACAATCTGTGGTAAACTAACTGAGGTTTGTATTTTTTTTCTTTATCATTTAATTCTAAC-3'
Protein context (NP_932072.1, residues 415-435): PTKGALNKSR[Cys425Tyr]TICGKLTEIR